The following is an entry in ClinVar:

ClinVar aggregate classification (germline): Uncertain significance. Review status: criteria provided, multiple submitters, no conflicts (2 of 4 stars). 2 submissions from 2 submitters: Uncertain significance (2). Last evaluated 2023-03-17.

Conditions:
Gastrointestinal stromal tumor. Also called: Gastrointestinal stroma tumor; Gastrointestinal stromal tumor, somatic. Identifiers: Orphanet 44890, MedGen C0238198, MeSH D046152, MONDO:0011719, OMIM 606764, HP:0100723.
Hereditary cancer-predisposing syndrome. Also called: Tumor predisposition; Hereditary Cancer Syndrome; Neoplastic Syndromes, Hereditary; Hereditary neoplastic syndrome. Identifiers: Orphanet 140162, MedGen C0027672, MeSH D009386, MONDO:0015356.

Submissions (2):

Ambry Genetics
Classification: Uncertain significance for Hereditary cancer-predisposing syndrome. Last evaluated: 2023-03-17. Review status: criteria provided, single submitter. Criteria: Ambry Variant Classification Scheme 2023. Collection method: clinical testing. Allele origin: germline.
Comment: The p.D738N variant (also known as c.2212G>A), located in coding exon 15 of the PDGFRA gene, results from a G to A substitution at nucleotide position 2212. The aspartic acid at codon 738 is replaced by asparagine, an amino acid with highly similar properties. This amino acid position is conserved. In addition, this alteration is predicted to be tolerated by in silico analysis. Since supporting evidence is limited at this time, the clinical significance of this alteration remains unclear.

Labcorp Genetics (formerly Invitae), Labcorp
Classification: Uncertain significance for Gastrointestinal stromal tumor. Last evaluated: 2021-05-17. Review status: criteria provided, single submitter. Criteria: Invitae Variant Classification Sherloc (09022015). Collection method: clinical testing. Allele origin: germline.
Comment: This variant has not been reported in the literature in individuals with PDGFRA-related conditions. In summary, the available evidence is currently insufficient to determine the role of this variant in disease. Therefore, it has been classified as a Variant of Uncertain Significance. Algorithms developed to predict the effect of missense changes on protein structure and function are either unavailable or do not agree on the potential impact of this missense change (SIFT: "Tolerated"; PolyPhen-2: "Possibly Damaging"; Align-GVGD: "Class C0"). This variant is not present in population databases (ExAC no frequency). This sequence change replaces aspartic acid with asparagine at codon 738 of the PDGFRA protein (p.Asp738Asn). The aspartic acid residue is highly conserved and there is a small physicochemical difference between aspartic acid and asparagine.

NM_006206.6(PDGFRA):c.2212G>A (p.Asp738Asn)

Gene: PDGFRA (platelet derived growth factor receptor alpha; plus strand). Cytogenetic location: 4q12.
Variant type: single nucleotide variant.
Coding change: c.2212G>A on transcript NM_006206.6 (MANE Select); coding-DNA position 2212, G replaced by A.
Protein change: p.Asp738Asn; replaces aspartic acid 738 with asparagine.
Molecular consequence: missense variant.
Genome position (GRCh38, 1-based): chr4:54,280,371, G>A. VCF-style: chr4-54280371-G-A. GRCh37 (hg19) VCF-style: chr4-55146538-G-A.
Other names: c.2212G>A, p.Asp738Asn (NM_001347827.2, NM_001347829.2); c.2287G>A, p.Asp763Asn (NM_001347828.2); c.2251G>A, p.Asp751Asn (NM_001347830.2); c.2212G>A (NM_006206.4); short protein forms D738N, D763N, D751N.
Identifiers: ClinVar variation 1354416 (VCV001354416.10), dbSNP rs1370672831, ClinGen allele CA356894318.